The following is an entry in ClinVar:

NM_003238.6(TGFB2):c.972T>C (p.Ile324=)

Gene: TGFB2 (transforming growth factor beta 2; plus strand). Cytogenetic location: 1q41.
Variant type: single nucleotide variant.
Coding change: c.972T>C on transcript NM_003238.6 (MANE Select); coding-DNA position 972, T replaced by C.
Protein change: p.Ile324=; no amino-acid change (isoleucine 324 retained).
Molecular consequence: synonymous variant. On other transcripts: non-coding transcript variant (2).
Genome position (GRCh38, 1-based): chr1:218,437,382, T>C. VCF-style: chr1-218437382-T-C. GRCh37 (hg19) VCF-style: chr1-218610724-T-C.
Other names: c.1056T>C, p.Ile352= (NM_001135599.4).
Identifiers: ClinVar variation 5041615 (VCV005041615.1).

ClinVar aggregate classification (germline): Uncertain significance (1 of 4 stars; one submission).

Submission:

CeGaT Center for Human Genetics Tuebingen
Classification: Uncertain significance. Last evaluated: 2026-09-01. Review status: criteria provided, single submitter. Criteria: CeGaT Center For Human Genetics Tuebingen Variant Classification Criteria Version 2. Collection method: clinical testing. Allele origin: germline. Affected: yes. Observed: 1 variant allele.
Comment: TGFB2: PM2:Supporting, BP4